The following is an entry in ClinVar:

ClinVar aggregate classification (germline): Benign/Likely benign. Review status: criteria provided, multiple submitters, no conflicts (2 of 4 stars). 6 submissions from 6 submitters: Benign (3); Likely benign (2). 1 of the submissions does not count toward it. Last evaluated 2026-01-24.

Conditions:
Primary ciliary dyskinesia. Also called: Ciliary dyskinesia. Identifiers: Orphanet 244, MedGen C0008780, MONDO:0016575, HP:0012265.
Primary ciliary dyskinesia 3. Identifiers: Orphanet 244, MedGen C1837618, MONDO:0012085, OMIM 608644.

Allele frequency attached by ClinVar (database versions not stated): gnomAD exomes 0.00042 and 0.00114; ExAC 0.00144; gnomAD 0.00406 and 0.00433; 1000 Genomes Project 0.00419; TOPMed 0.00426; 1000 Genomes Project 30x 0.00437; ESP Exome Variant Server 0.00531.
gnomAD v4.1: 1,256 of 1,612,580 alleles (0.078%); highest among the groups gnomAD compares: African/African-American, 1.3%; 6 homozygotes.

Submissions (6):

Labcorp Genetics (formerly Invitae), Labcorp
Classification: Benign for Primary ciliary dyskinesia. Last evaluated: 2026-01-24. Review status: criteria provided, single submitter. Criteria: Invitae Variant Classification Sherloc (09022015). Collection method: clinical testing. Allele origin: germline.

Blueprint Genetics
Classification: Likely benign. Last evaluated: 2024-10-02. Review status: criteria provided, single submitter. Criteria: ACMG Guidelines, 2015. Collection method: clinical testing. Allele origin: germline.

Illumina Laboratory Services, Illumina
Classification: Likely benign for Primary ciliary dyskinesia 3. Last evaluated: 2018-01-13. Review status: criteria provided, single submitter. Criteria: ICSL Variant Classification Criteria 13 December 2019. Collection method: clinical testing. Allele origin: germline.
Comment: This variant was observed in the ICSL laboratory as part of a predisposition screen in an ostensibly healthy population. It had not been previously curated by ICSL or reported in the Human Gene Mutation Database (HGMD: prior to June 1st, 2018), and was therefore a candidate for classification through an automated scoring system. Utilizing variant allele frequency, disease prevalence and penetrance estimates, and inheritance mode, an automated score was calculated to assess if this variant is too frequent to cause the disease. Based on the score and internal cut-off values, a variant classified as likely benign is not then subjected to further curation. The score for this variant resulted in a classification of likely benign for this disease.

Ambry Genetics
Classification: Benign for Primary ciliary dyskinesia. Last evaluated: 2014-06-10. Review status: criteria provided, single submitter. Criteria: Ambry Variant Classification Scheme 2023. Collection method: clinical testing. Allele origin: germline.

Laboratory for Molecular Medicine, Mass General Brigham Personalized Medicine
Classification: Benign. Last evaluated: 2013-02-21. Review status: criteria provided, single submitter. Criteria: LMM Criteria. Collection method: clinical testing. Allele origin: germline. Observed: 1 variant allele.
Comment: 6062-4G>A in intron 36 of DNAH5: This variant is not expected to have clinical s ignificance because it is not located within the conserved splice consensus sequ ence. It has been identified in 1.5% (67/4406) of African American chromosomes f rom a broad population by the NHLBI Exome Sequencing Project (dbSNP rs143392650).

Natera, Inc.
Classification: Benign for Primary ciliary dyskinesia. Last evaluated: 2020-09-16. Review status: no assertion criteria provided. Collection method: clinical testing. Allele origin: germline. Not counted in ClinVar's aggregate classification.

NM_001369.3(DNAH5):c.6062-4G>A

Gene: DNAH5 (dynein axonemal heavy chain 5; minus strand). Cytogenetic location: 5p15.2.
Variant type: single nucleotide variant.
Coding change: c.6062-4G>A on transcript NM_001369.3 (MANE Select); 4 bases into the intron before coding-DNA position 6062, G replaced by A.
Molecular consequence: intron variant.
Genome position (GRCh38, 1-based): chr5:13,830,217, C>T on the plus strand (G>A on the coding strand, the complement: DNAH5 is on the minus strand). VCF-style: chr5-13830217-C-T. GRCh37 (hg19) VCF-style: chr5-13830326-C-T.
Identifiers: ClinVar variation 351079 (VCV000351079.24), dbSNP rs143392650, ClinGen allele CA3203480.
Genomic context (GRCh38, chr5:13,830,217, plus strand): 5'-GTAGATCAATACGGTTAAATTCATCAAAACAACCCCAGGATCCAGACTGTGCCAGTCCTT[C>T]GAAAGGAAATTAAATGAAAAATCCAATTAGTATATAATTTTAGAAAACCAAGAAAAAGGA-3'